The following is an entry in ClinVar:

ClinVar aggregate classification (germline): Likely benign. Review status: criteria provided, multiple submitters, no conflicts (2 of 4 stars). 5 submissions from 5 submitters: Likely benign (3). 2 of the submissions do not count toward it. Last evaluated 2026-01-01.

Conditions:
MYO7A-related disorder. Also called: MYO7A-related disorders.
Usher syndrome type 1B (USH1B). Also called: Usher syndrome type IB. Identifiers: MedGen C1848638, MONDO:0700087.

Allele frequency attached by ClinVar (database versions not stated): ExAC 0.00001; gnomAD exomes 0.00002 and 0.00004; TOPMed 0.00003; gnomAD 0.00007.
gnomAD v4.1: 69 of 1,613,190 alleles (0.0043%); highest among the groups gnomAD compares: Admixed American, 0.013%; no homozygotes.

Submissions (5):

CeGaT Center for Human Genetics Tuebingen
Classification: Likely benign. Last evaluated: 2026-01-01. Review status: criteria provided, single submitter. Criteria: CeGaT Center For Human Genetics Tuebingen Variant Classification Criteria Version 2. Collection method: clinical testing. Allele origin: germline. Affected: yes. Observed: 1 variant allele.
Comment: MYO7A: BP4, BP7

Labcorp Genetics (formerly Invitae), Labcorp
Classification: Likely benign. Last evaluated: 2025-09-08. Review status: criteria provided, single submitter. Criteria: Invitae Variant Classification Sherloc (09022015). Collection method: clinical testing. Allele origin: germline.

Blueprint Genetics
Classification: Likely benign. Last evaluated: 2024-08-23. Review status: criteria provided, single submitter. Criteria: ACMG Guidelines, 2015. Collection method: clinical testing. Allele origin: germline.

Natera, Inc.
Classification: Uncertain significance for Usher syndrome type 1B. Last evaluated: 2020-07-30. Review status: no assertion criteria provided. Collection method: clinical testing. Allele origin: germline. Not counted in ClinVar's aggregate classification.

PreventionGenetics, part of Exact Sciences
Classification: Likely benign for MYO7A-related condition. Last evaluated: 2019-07-22. Review status: no assertion criteria provided. Collection method: clinical testing. Allele origin: germline. Not counted in ClinVar's aggregate classification.
Comment: This variant is classified as likely benign based on ACMG/AMP sequence variant interpretation guidelines (Richards et al. 2015 PMID: 25741868, with internal and published modifications).

NM_000260.4(MYO7A):c.3507C>T (p.Asp1169=)

Gene: MYO7A (myosin VIIA; plus strand). Cytogenetic location: 11q13.5.
Variant type: single nucleotide variant.
Coding change: c.3507C>T on transcript NM_000260.4 (MANE Select); coding-DNA position 3507, C replaced by T.
Protein change: p.Asp1169=; no amino-acid change (aspartic acid 1169 retained).
Molecular consequence: synonymous variant.
Genome position (GRCh38, 1-based): chr11:77,189,347, C>T. VCF-style: chr11-77189347-C-T. GRCh37 (hg19) VCF-style: chr11-76900392-C-T.
Other names: c.3507C>T, p.Asp1169= (NM_001127180.2); c.3474C>T, p.Asp1158= (NM_001369365.1).
Identifiers: ClinVar variation 742488 (VCV000742488.19), dbSNP rs782788403, ClinGen allele CA6198103.